The following is an entry in ClinVar:

ClinVar aggregate classification (germline): Pathogenic (1 of 4 stars; one submission).

Conditions:
Mucopolysaccharidosis, MPS-II (MPS2). Also called: Hunter Syndrome; IDURONATE 2-SULFATASE DEFICIENCY; Mucopolysaccharidosis Type II; Mucopolysaccharidosis type 2; Attenuated MPS (subtype; formerly known as mild MPS II); Severe MPS II. Identifiers: Orphanet 580, Orphanet 79388, MedGen C0026705, MONDO:0010674, OMIM 309900.

Submissions (4):

Laboratory of Diagnosis and Therapy of Lysosomal Disorders, University of Padova
Classification: Pathogenic for Mucopolysaccharidosis, MPS-II. Last evaluated: 2024-06-07. Review status: criteria provided, single submitter. Criteria: ACMG Guidelines, 2015. Collection method: literature only. Allele origin: germline. Affected: yes. Observed: 1 variant allele.
Comment: Null variant (PVS1_VeryStrong), Absent from controls (or at low frequency) in gnomAD database (PM2_Moderate), Patient’s phenotype or family history highly specific for the disease (PP4_Strong)

Classification method: ACMG Guidelines [PMID:25741868] with modifications

Dr. Peter K. Rogan Lab, Western University
No classification provided (evidence only). Condition: Thyroid cancer, nonmedullary, 1. Review status: no classification provided. Collection method: in vitro. Allele origin: not applicable. Functional consequence: retained intron. Not counted in ClinVar's aggregate classification.

Dr. Peter K. Rogan Lab, Western University
No classification provided (evidence only). Condition: Thyroid cancer, nonmedullary, 1. Review status: no classification provided. Collection method: in vitro. Allele origin: not applicable. Functional consequence: retained intron. Not counted in ClinVar's aggregate classification.

Dr. Peter K. Rogan Lab, Western University
No classification provided (evidence only). Condition: Thyroid cancer, nonmedullary, 1. Review status: no classification provided. Collection method: in vitro. Allele origin: not applicable. Functional consequence: retained intron. Not counted in ClinVar's aggregate classification.

Literature cited by the submitters: PubMed 18500569 (cited by Laboratory of Diagnosis and Therapy of Lysosomal Disorders, University of Padova).

NM_000202.8(IDS):c.760G>T (p.Glu254Ter)

Genes: IDS (iduronate 2-sulfatase; minus strand), LOC106050102 (IDS recombination region; plus strand). Cytogenetic location: Xq28.
Variant type: single nucleotide variant.
Coding change: c.760G>T on transcript NM_000202.8 (MANE Select); coding-DNA position 760, G replaced by T.
Protein change: p.Glu254Ter; replaces glutamic acid 254 with a stop codon.
Molecular consequence: nonsense. On other transcripts: non-coding transcript variant (1).
Genome position (GRCh38, 1-based): chrX:149,496,465, C>A on the plus strand (G>T on the coding strand, the complement: IDS is on the minus strand). VCF-style: chrX-149496465-C-A. GRCh37 (hg19) VCF-style: chrX-148577996-C-A.
Other names: NC_000023.10:g.148577996C>A; c.490G>T, p.Glu164Ter (NM_001166550.4); c.760G>T, p.Glu254Ter (NM_006123.5); short protein forms E164*, E254*.
Identifiers: ClinVar variation 3255830 (VCV003255830.3).